The following is an entry in ClinVar:

ClinVar aggregate classification (germline): Likely pathogenic (1 of 4 stars; one submission).

Conditions:
Methylmalonic aciduria due to methylmalonyl-CoA mutase deficiency (MAMM). Also called: Methylmalonic aciduria, mut type. Identifiers: Orphanet 27, MedGen C1855114, MONDO:0009612, OMIM 251000.

Submission:

Myriad Genetics, Inc.
Classification: Likely pathogenic for Methylmalonic aciduria due to methylmalonyl-CoA mutase deficiency. Last evaluated: 2019-12-22. Review status: criteria provided, single submitter. Criteria: Myriad Women's Health Autosomal Recessive and X-Linked Classification Criteria (2019). Collection method: clinical testing. Allele origin: unknown.
Comment: NM_000255.3(MUT):c.1348G>T(E450*) is expected to be pathogenic in the context of MUT-related methylmalonic acidemia. This variant is predicted to lead to an abnormal or absent protein product due to the creation of a premature termination codon in MUT, a gene where loss-of-function variants are known to be pathogenic. Please note: this variant was assessed in the context of healthy population screening.

NM_000255.4(MMUT):c.1348G>T (p.Glu450Ter)

Gene: MMUT (methylmalonyl-CoA mutase; minus strand). Cytogenetic location: 6p12.3.
Variant type: single nucleotide variant.
Coding change: c.1348G>T on transcript NM_000255.4 (MANE Select); coding-DNA position 1348, G replaced by T.
Protein change: p.Glu450Ter; replaces glutamic acid 450 with a stop codon.
Molecular consequence: nonsense.
Genome position (GRCh38, 1-based): chr6:49,448,912, C>A on the plus strand (G>T on the coding strand, the complement: MMUT is on the minus strand). VCF-style: chr6-49448912-C-A. GRCh37 (hg19) VCF-style: chr6-49416625-C-A.
Other names: short protein forms E450*.
Identifiers: ClinVar variation 984146 (VCV000984146.3), dbSNP rs1767479902, ClinGen allele CA364398305.
Genomic context (GRCh38, chr6:49,448,912, plus strand): 5'-CTTCAATTCGAAGTTTAGGTATTCCCTCAGCTACAGCTTTGGCCATTCCACCCATTTCTT[C>A]AATTTCATTAATGAGCTAAAAAGAAAAACATTAACAAAACTAAAAGAGAATATTAAAAAT-3'